The following is an entry in ClinVar:

ClinVar aggregate classification (germline): Pathogenic/Likely pathogenic. Review status: criteria provided, multiple submitters, no conflicts (2 of 4 stars). 4 submissions from 4 submitters: Pathogenic (1); Likely pathogenic (2). 1 of the submissions does not count toward it. Last evaluated 2026-02-20.

Conditions:
Autosomal recessive limb-girdle muscular dystrophy type 2L (LGMDR12). Also called: Limb-girdle muscular dystrophy, type 2L; MUSCULAR DYSTROPHY, LIMB-GIRDLE, AUTOSOMAL RECESSIVE 12; Limb-Girdle Muscular Dystrophy R12 Anoctamin-5-Related (LGMD-R12). Identifiers: Orphanet 206549, MedGen C1969785, MONDO:0012652, OMIM 611307.
Gnathodiaphyseal dysplasia (GDD). Also called: GNATHODIAPHYSEAL SCLEROSIS; OSTEOGENESIS IMPERFECTA WITH UNUSUAL SKELETAL LESIONS. Identifiers: Orphanet 53697, MedGen C1833736, MONDO:0008151, OMIM 166260.

Allele frequency attached by ClinVar (database versions not stated): ExAC 0.00001; TOPMed 0.00005; gnomAD 0.00001; gnomAD exomes 0.00001.
gnomAD v4.1: 14 of 1,614,028 alleles (0.00087%); highest among the groups gnomAD compares: Admixed American, 0.0033%; no homozygotes.

Submissions (4):

Dasa
Classification: Likely pathogenic. Last evaluated: 2026-02-20. Review status: criteria provided, single submitter. Criteria: DASA Assertion Criteria. Collection method: clinical testing. Allele origin: germline.
Comment: NM_213599.3(ANO5):c.2012A>G (p.Tyr671Cys) is a missense variant that results in the substitution of tyrosine with cysteine. The affected residue or protein region has prior evidence supporting clinical relevance. This variant has been recurrently observed in individuals with ANO5-related disorders (PMID: 31353849; PMID: 31395899). Also, this variant is rare in population databases. Based on the currently available evidence, this variant is classified as likely pathogenic.

Women's Health and Genetics/Laboratory Corporation of America, LabCorp
Classification: Likely pathogenic for Autosomal recessive limb-girdle muscular dystrophy type 2L. Last evaluated: 2026-01-26. Review status: criteria provided, single submitter. Criteria: LabCorp Variant Classification Summary - May 2015. Collection method: clinical testing. Allele origin: germline.
Comment: Variant summary: ANO5 c.2012A>G (p.Tyr671Cys) results in a non-conservative amino acid change in the encoded protein sequence. Algorithms developed to predict the effect of missense changes on protein structure and function are either unavailable or do not agree on the potential impact of this missense change. The variant allele was found at a frequency of 8e-06 in 251406 control chromosomes. c.2012A>G has been observed in individual(s) affected with Autosomal recessive limb-girdle muscular dystrophy (example: Silva_2019, Jarmula_2019, Papadopoulos_2017). These data indicate that the variant is likely to be associated with disease. To our knowledge, no experimental evidence demonstrating an impact on protein function has been reported. The following publications have been ascertained in the context of this evaluation (PMID: 31353849, 31395899, 8187523). ClinVar contains an entry for this variant (Variation ID: 285628). Based on the evidence outlined above, the variant was classified as likely pathogenic.

Labcorp Genetics (formerly Invitae), Labcorp
Classification: Pathogenic for Autosomal recessive limb-girdle muscular dystrophy type 2L; Gnathodiaphyseal dysplasia. Last evaluated: 2025-11-12. Review status: criteria provided, single submitter. Criteria: Invitae Variant Classification Sherloc (09022015). Collection method: clinical testing. Allele origin: germline.
Comment: This sequence change replaces tyrosine, which is neutral and polar, with cysteine, which is neutral and slightly polar, at codon 671 of the ANO5 protein (p.Tyr671Cys). This variant is present in population databases (rs764261431, gnomAD 0.003%). This missense change has been observed in individuals with autosomal recessive ANO5-related conditions (PMID: 31353849, 31395899). ClinVar contains an entry for this variant (Variation ID: 285628). Invitae Evidence Modeling of protein sequence and biophysical properties (such as structural, functional, and spatial information, amino acid conservation, physicochemical variation, residue mobility, and thermodynamic stability) indicates that this missense variant is expected to disrupt ANO5 protein function with a positive predictive value of 95%. Algorithms developed to predict the effect of sequence changes on RNA splicing suggest that this variant may disrupt the consensus splice site. For these reasons, this variant has been classified as Pathogenic.

Eurofins Ntd Llc (ga)
Classification: Uncertain significance. Last evaluated: 2016-01-19. Review status: flagged submission. Criteria: EGL Classification Definitions 2015. Collection method: clinical testing. Allele origin: germline. Observed: 1 variant allele, 1 heterozygote. Not counted in ClinVar's aggregate classification.
ClinVar note: Reason: Older claim that does not account for recent evidence

Literature cited by the submitters: PubMed 31353849 (cited by 3 submitters); PubMed 31395899 (cited by 3 submitters); PubMed 8187523 (cited by Women's Health and Genetics/Laboratory Corporation of America, LabCorp).

NM_213599.3(ANO5):c.2012A>G (p.Tyr671Cys)

Gene: ANO5 (anoctamin 5; plus strand). Cytogenetic location: 11p14.3.
Variant type: single nucleotide variant.
Coding change: c.2012A>G on transcript NM_213599.3 (MANE Select); coding-DNA position 2012, A replaced by G.
Protein change: p.Tyr671Cys; replaces tyrosine 671 with cysteine.
Molecular consequence: missense variant.
Genome position (GRCh38, 1-based): chr11:22,270,425, A>G. VCF-style: chr11-22270425-A-G. GRCh37 (hg19) VCF-style: chr11-22291971-A-G.
Other names: c.2009A>G, p.Tyr670Cys (NM_001142649.2); short protein forms Y671C, Y670C.
Identifiers: ClinVar variation 285628 (VCV000285628.14), dbSNP rs764261431, ClinGen allele CA5923420.